The following is an entry in ClinVar:

ClinVar aggregate classification (germline): Likely benign. Review status: criteria provided, multiple submitters, no conflicts (2 of 4 stars). 2 submissions from 2 submitters: Likely benign (2). Last evaluated 2024-11-19.

Allele frequency attached by ClinVar (database versions not stated): ExAC 0.00003; gnomAD 0.00003 and 0.00004; TOPMed 0.00003; gnomAD exomes 0.00004 and 0.00012; ESP Exome Variant Server 0.00008.
gnomAD v4.1: 180 of 1,614,104 alleles (0.011%); highest among the groups gnomAD compares: Non-Finnish European, 0.015%; no homozygotes.

Submissions (2):

Blueprint Genetics
Classification: Likely benign. Last evaluated: 2024-11-19. Review status: criteria provided, single submitter. Criteria: ACMG Guidelines, 2015. Collection method: clinical testing. Allele origin: germline.

GeneDx
Classification: Likely benign. Last evaluated: 2015-12-22. Review status: criteria provided, single submitter. Criteria: GeneDx Variant Classification (06012015). Collection method: clinical testing. Allele origin: germline. Affected: yes.
Comment: This variant is considered likely benign or benign based on one or more of the following criteria: it is a conservative change, it occurs at a poorly conserved position in the protein, it is predicted to be benign by multiple in silico algorithms, and/or has population frequency not consistent with disease.

NM_018100.4(EFHC1):c.627T>C (p.Leu209=)

Gene: EFHC1 (EF-hand domain containing 1; plus strand). Cytogenetic location: 6p12.2.
Variant type: single nucleotide variant.
Coding change: c.627T>C on transcript NM_018100.4 (MANE Select); coding-DNA position 627, T replaced by C.
Protein change: p.Leu209=; no amino-acid change (leucine 209 retained).
Molecular consequence: synonymous variant. On other transcripts: non-coding transcript variant (1).
Genome position (GRCh38, 1-based): chr6:52,452,741, T>C. VCF-style: chr6-52452741-T-C. GRCh37 (hg19) VCF-style: chr6-52317539-T-C.
Other names: c.570T>C, p.Leu190= (NM_001172420.2).
Identifiers: ClinVar variation 382349 (VCV000382349.2), dbSNP rs141142186, ClinGen allele CA3855789.